The following is an entry in ClinVar:

ClinVar aggregate classification (germline): Likely benign. Review status: criteria provided, multiple submitters, no conflicts (2 of 4 stars). 4 submissions from 4 submitters: Likely benign (4). Last evaluated 2026-01-04.

Conditions:
Cardiovascular phenotype. Identifiers: MedGen CN230736.
Arrhythmogenic right ventricular cardiomyopathy (ARVD). Also called: Arrhythmogenic cardiomyopathy; Cardiomyopathy, ARVC; Arrhythmogenic right ventricular dysplasia; Arrhythmogenic Right Ventricular Cardiomyopathy (ARVC). Identifiers: Orphanet 247, MedGen C0349788, MeSH D019571, MONDO:0016587. Disease mechanism: loss of function. Inheritance: Various modes of inheritance.
Cardiomyopathy (CMYO). Also called: Cardiomyopathies. Identifiers: Orphanet 167848, MedGen C0878544, MONDO:0004994, HP:0001638. Inheritance: Various modes of inheritance.
Arrhythmogenic right ventricular dysplasia 10. Also called: Arrhythmogenic Right Ventricular Dysplasia/Cardiomyopathy10; ARRHYTHMOGENIC RIGHT VENTRICULAR DYSPLASIA, FAMILIAL, 10; Arrhythmogenic right ventricular dysplasia/cardiomyopathy, type 10. Identifiers: MedGen C1857777, MONDO:0012434, OMIM 610193.

Allele frequency attached by ClinVar (database versions not stated): gnomAD 0.00001; ExAC 0.00002; TOPMed 0.00003.
gnomAD v4.1: 28 of 1,614,056 alleles (0.0017%); highest among the groups gnomAD compares: Middle Eastern, 0.016%; no homozygotes.

Submissions (4):

Labcorp Genetics (formerly Invitae), Labcorp
Classification: Likely benign for Arrhythmogenic right ventricular dysplasia 10. Last evaluated: 2026-01-04. Review status: criteria provided, single submitter. Criteria: Invitae Variant Classification Sherloc (09022015). Collection method: clinical testing. Allele origin: germline.

All of Us Research Program, National Institutes of Health
Classification: Likely benign for Arrhythmogenic right ventricular cardiomyopathy. Last evaluated: 2024-01-08. Review status: criteria provided, single submitter. Criteria: ACMG Guidelines, 2015. Collection method: clinical testing. Allele origin: germline. Inheritance: Autosomal dominant inheritance. Observed: 5 variant alleles, 5 heterozygotes.
Comment: This study involves interpretation of variants in research participants for the purpose of population health screening. Participant phenotype was not available at the time of variant classification. Additional details can be found in publication PMID: 35346344, PMCID: PMC8962531

Ambry Genetics
Classification: Likely benign for Cardiovascular phenotype. Last evaluated: 2021-05-31. Review status: criteria provided, single submitter. Criteria: Ambry Variant Classification Scheme 2023. Collection method: clinical testing. Allele origin: germline.

Color Diagnostics, LLC DBA Color Health
Classification: Likely benign for Cardiomyopathy. Last evaluated: 2019-10-07. Review status: criteria provided, single submitter. Criteria: ACMG Guidelines, 2015. Collection method: clinical testing. Allele origin: germline.

NM_001943.5(DSG2):c.2418G>A (p.Ser806=)

Genes: DSG2 (desmoglein 2; plus strand), DSG2-AS1 (DSG2 antisense RNA 1; minus strand). Cytogenetic location: 18q12.1.
Variant type: single nucleotide variant.
Coding change: c.2418G>A on transcript NM_001943.5 (MANE Select); coding-DNA position 2418, G replaced by A.
Protein change: p.Ser806=; no amino-acid change (serine 806 retained).
Molecular consequence: synonymous variant. On other transcripts: non-coding transcript variant (1).
Genome position (GRCh38, 1-based): chr18:31,545,804, G>A. VCF-style: chr18-31545804-G-A. GRCh37 (hg19) VCF-style: chr18-29125767-G-A.
Identifiers: ClinVar variation 919425 (VCV000919425.13), dbSNP rs751831001, ClinGen allele CA045978.